The following is an entry in ClinVar:

NM_139321.3(ATRN):c.3166T>A (p.Ser1056Thr)

Gene: ATRN (attractin; plus strand). Cytogenetic location: 20p13.
Variant type: single nucleotide variant.
Coding change: c.3166T>A on transcript NM_139321.3 (MANE Select); coding-DNA position 3166, T replaced by A.
Protein change: p.Ser1056Thr; replaces serine 1056 with threonine.
Molecular consequence: missense variant.
Genome position (GRCh38, 1-based): chr20:3,584,862, T>A. VCF-style: chr20-3584862-T-A. GRCh37 (hg19) VCF-style: chr20-3565509-T-A.
Other names: c.2818T>A, p.Ser940Thr (NM_001207047.3); c.3166T>A, p.Ser1056Thr (NM_001323332.2, NM_139322.4); short protein forms S1056T, S940T.
Identifiers: ClinVar variation 4748202 (VCV004748202.1).

ClinVar aggregate classification (germline): Uncertain significance (1 of 4 stars; one submission).

gnomAD v4.1: 2 of 1,614,090 alleles (0.00012%); highest among the groups gnomAD compares: Admixed American, 0.0033%; no homozygotes.

Submission:

Labcorp Genetics (formerly Invitae), Labcorp
Classification: Uncertain significance. Last evaluated: 2025-11-03. Review status: criteria provided, single submitter. Criteria: Invitae Variant Classification Sherloc (09022015). Collection method: clinical testing. Allele origin: germline.
Comment: This sequence change replaces serine, which is neutral and polar, with threonine, which is neutral and polar, at codon 1056 of the ATRN protein (p.Ser1056Thr). This variant is present in population databases (no rsID available, gnomAD 0.003%). This variant has not been reported in the literature in individuals affected with ATRN-related conditions. An algorithm developed to predict the effect of missense changes on protein structure and function (PolyPhen-2) suggests that this variant is likely to be disruptive. In summary, the available evidence is currently insufficient to determine the role of this variant in disease. Therefore, it has been classified as a Variant of Uncertain Significance.